The following is an entry in ClinVar:

ClinVar aggregate classification (germline): Uncertain significance. Review status: criteria provided, multiple submitters, no conflicts (2 of 4 stars). 10 submissions from 10 submitters: Uncertain significance (8). 2 of the submissions do not count toward it. Last evaluated 2025-11-06.

Conditions:
PKHD1-related disorder. Also called: PKHD1-related condition.
Polycystic kidney disease 4 (PKD4). Also called: Autosomal Recessive Polycystic Kidney Disease – PKHD1; PKD3; POLYCYSTIC KIDNEY DISEASE 4 WITH OR WITHOUT POLYCYSTIC LIVER DISEASE; POLYCYSTIC KIDNEY AND HEPATIC DISEASE 1; POLYCYSTIC KIDNEY DISEASE, INFANTILE, TYPE I. Identifiers: MedGen C4540575, MONDO:0033004, OMIM 263200.
Autosomal recessive polycystic kidney disease (ARPKD). Also called: AR polycystic kidney disease. Identifiers: Orphanet 731, Orphanet 8378, MedGen C0085548, MeSH D017044, MONDO:0009889.

Allele frequency attached by ClinVar (database versions not stated): gnomAD exomes 0.00003 and 0.00008; ExAC 0.00009; ESP Exome Variant Server 0.00015; gnomAD 0.00020 and 0.00021; TOPMed 0.00022; 1000 Genomes Project 0.00060; 1000 Genomes Project 30x 0.00078.
gnomAD v4.1: 68 of 1,606,010 alleles (0.0042%); highest among the groups gnomAD compares: African/African-American, 0.063%; no homozygotes.

Submissions (10):

PreventionGenetics, part of Exact Sciences
Classification: Uncertain significance for PKHD1-related condition. Last evaluated: 2025-11-06. Review status: criteria provided, single submitter. Criteria: ACMG Guidelines, 2015. Collection method: clinical testing. Allele origin: germline.
Comment: The PKHD1 c.6121G>A variant is predicted to result in the amino acid substitution p.Gly2041Ser. This variant was reported as heterozygous in an individual with autosomal recessive Polycystic kidney disease (Melchionda et al. 2016. PubMed ID: 27225849). This variant is reported in 0.068% of alleles in individuals of African descent in gnomAD. Although we suspect that this variant may be pathogenic, at this time, the clinical significance of this variant is uncertain due to the absence of conclusive functional and genetic evidence.

Mayo Clinic Laboratories, Mayo Clinic
Classification: Uncertain significance. Last evaluated: 2025-06-07. Review status: criteria provided, single submitter. Criteria: ACMG Guidelines, 2015. Collection method: clinical testing. Allele origin: germline. Observed: 1 variant allele.
Comment: PP3_moderate, PM2_supporting

Fulgent Genetics
Classification: Uncertain significance for Polycystic kidney disease 4. Last evaluated: 2024-02-26. Review status: criteria provided, single submitter. Criteria: ACMG Guidelines, 2015. Collection method: clinical testing. Allele origin: germline.

GeneDx
Classification: Uncertain significance. Last evaluated: 2023-03-28. Review status: criteria provided, single submitter. Criteria: GeneDx Variant Classification Process June 2021. Collection method: clinical testing. Allele origin: germline. Affected: yes.
Comment: Reported without a second variant in a patient with polycystic kidney disease (Melchionda et al., 2016); In silico analysis supports that this missense variant has a deleterious effect on protein structure/function; This variant is associated with the following publications: (PMID: 33940108, 27225849, 32256442)

Labcorp Genetics (formerly Invitae), Labcorp
Classification: Uncertain significance for Autosomal recessive polycystic kidney disease. Last evaluated: 2021-09-10. Review status: criteria provided, single submitter. Criteria: Invitae Variant Classification Sherloc (09022015). Collection method: clinical testing. Allele origin: germline.
Comment: This sequence change replaces glycine with serine at codon 2041 of the PKHD1 protein (p.Gly2041Ser). The glycine residue is moderately conserved and there is a small physicochemical difference between glycine and serine. This variant also falls at the last nucleotide of exon 37, which is part of the consensus splice site for this exon. This variant is present in population databases (rs199589074, ExAC 0.09%). This missense change has been observed in individual(s) with polycystic kidney disease (PMID: 27225849). ClinVar contains an entry for this variant (Variation ID: 549940). Algorithms developed to predict the effect of missense changes on protein structure and function are either unavailable or do not agree on the potential impact of this missense change (SIFT: "Tolerated"; PolyPhen-2: "Probably Damaging"; Align-GVGD: "Class C0"). Variants that disrupt the consensus splice site are a relatively common cause of aberrant splicing (PMID: 17576681, 9536098). Algorithms developed to predict the effect of sequence changes on RNA splicing suggest that this variant may disrupt the consensus splice site. In summary, the available evidence is currently insufficient to determine the role of this variant in disease. Therefore, it has been classified as a Variant of Uncertain Significance.

Women's Health and Genetics/Laboratory Corporation of America, LabCorp
Classification: Uncertain significance. Last evaluated: 2021-08-12. Review status: criteria provided, single submitter. Criteria: LabCorp Variant Classification Summary - May 2015. Collection method: clinical testing. Allele origin: germline.
Comment: Variant summary: PKHD1 c.6121G>A (p.Gly2041Ser) results in a non-conservative amino acid change located in the G8 domain of the encoded protein sequence which affects the last nucleotide of exon 37. Five of five in-silico tools predict a damaging effect of the variant on protein function. Several computational tools predict a significant impact on normal splicing: Four predict the variant weakens a 5' donor site. Four predict the variant creates a 3' acceptor site. However, these predictions have yet to be confirmed by functional studies. The variant allele was found at a frequency of 7.6e-05 in 251302 control chromosomes. This frequency is not significantly higher than expected for a pathogenic variant in PKHD1 causing Polycystic Kidney And Hepatic Disease (7.6e-05 vs 0.0071), allowing no conclusion about variant significance. c.6121G>A has been reported in the literature in individuals affected with Polycystic Kidney And Hepatic Disease, without strong evidence for causality (Melchionda_2016, Burgamaier_2021). These reports do not provide unequivocal conclusions about association of the variant with Polycystic Kidney And Hepatic Disease. To our knowledge, no experimental evidence demonstrating an impact on protein function has been reported. Three clinical diagnostic laboratories have submitted clinical-significance assessments for this variant to ClinVar after 2014 without evidence for independent evaluation. All laboratories classified the variant as uncertain significance. Based on the evidence outlined above, the variant was classified as uncertain significance.

Genome-Nilou Lab
Classification: Uncertain significance for Polycystic kidney disease 4. Last evaluated: 2021-05-18. Review status: criteria provided, single submitter. Criteria: ACMG Guidelines, 2015. Collection method: clinical testing. Allele origin: germline. Affected: no.

Eurofins Ntd Llc (ga)
Classification: Uncertain significance. Last evaluated: 2018-03-02. Review status: criteria provided, single submitter. Criteria: EGL ClinVar v180209 classification definitions. Collection method: clinical testing. Allele origin: germline. Observed: 1 variant allele, 1 heterozygote.

Natera, Inc.
Classification: Uncertain significance for Autosomal recessive polycystic kidney disease. Last evaluated: 2018-07-03. Review status: no assertion criteria provided. Collection method: clinical testing. Allele origin: germline. Not counted in ClinVar's aggregate classification.

Counsyl
Classification: Uncertain significance for Polycystic kidney disease 4. Last evaluated: 2017-01-25. Review status: no assertion criteria provided. Collection method: clinical testing. Allele origin: unknown. Not counted in ClinVar's aggregate classification.

Literature cited by the submitters: PubMed 27225849 (cited by 4 submitters); PubMed 17576681 (cited by Labcorp Genetics (formerly Invitae), Labcorp); PubMed 9536098 (cited by Labcorp Genetics (formerly Invitae), Labcorp); PubMed 33940108 (cited by Women's Health and Genetics/Laboratory Corporation of America, LabCorp); PubMed 32256442 (cited by Women's Health and Genetics/Laboratory Corporation of America, LabCorp).

NM_138694.4(PKHD1):c.6121G>A (p.Gly2041Ser)

Gene: PKHD1 (PKHD1 ciliary IPT domain containing fibrocystin/polyductin; minus strand). Cytogenetic location: 6p12.2.
Variant type: single nucleotide variant.
Coding change: c.6121G>A on transcript NM_138694.4 (MANE Select); coding-DNA position 6121, G replaced by A.
Protein change: p.Gly2041Ser; replaces glycine 2041 with serine.
Molecular consequence: missense variant.
Genome position (GRCh38, 1-based): chr6:51,934,110, C>T on the plus strand (G>A on the coding strand, the complement: PKHD1 is on the minus strand). VCF-style: chr6-51934110-C-T. GRCh37 (hg19) VCF-style: chr6-51798908-C-T.
Other names: p.Gly2041Ser; c.6121G>A, p.Gly2041Ser (NM_170724.3); short protein forms G2041S.
Identifiers: ClinVar variation 549940 (VCV000549940.19), dbSNP rs199589074, ClinGen allele CA3852348.